The following is an entry in ClinVar:

ClinVar aggregate classification (germline): Uncertain significance (1 of 4 stars; one submission).

Allele frequency attached by ClinVar (database versions not stated): ExAC 0.00003; gnomAD 0.00003; gnomAD exomes 0.00004; TOPMed 0.00004.
gnomAD v4.1: 61 of 1,614,020 alleles (0.0038%); highest among the groups gnomAD compares: Middle Eastern, 0.017%; no homozygotes.

Submission:

Labcorp Genetics (formerly Invitae), Labcorp
Classification: Uncertain significance. Last evaluated: 2022-06-30. Review status: criteria provided, single submitter. Criteria: Invitae Variant Classification Sherloc (09022015). Collection method: clinical testing. Allele origin: germline.
Comment: In summary, the available evidence is currently insufficient to determine the role of this variant in disease. Therefore, it has been classified as a Variant of Uncertain Significance. Algorithms developed to predict the effect of missense changes on protein structure and function are either unavailable or do not agree on the potential impact of this missense change (SIFT: "Not Available"; PolyPhen-2: "Probably Damaging"; Align-GVGD: "Not Available"). This variant has not been reported in the literature in individuals affected with ZMPSTE24-related conditions. This variant is present in population databases (rs555007253, gnomAD 0.02%). This sequence change replaces arginine, which is basic and polar, with histidine, which is basic and polar, at codon 412 of the ZMPSTE24 protein (p.Arg412His).

NM_005857.5(ZMPSTE24):c.1235G>A (p.Arg412His)

Gene: ZMPSTE24 (zinc metallopeptidase STE24; plus strand). Cytogenetic location: 1p34.2.
Variant type: single nucleotide variant.
Coding change: c.1235G>A on transcript NM_005857.5 (MANE Select); coding-DNA position 1235, G replaced by A.
Protein change: p.Arg412His; replaces arginine 412 with histidine.
Molecular consequence: missense variant.
Genome position (GRCh38, 1-based): chr1:40,292,476, G>A. VCF-style: chr1-40292476-G-A. GRCh37 (hg19) VCF-style: chr1-40758148-G-A.
Other names: short protein forms R412H.
Identifiers: ClinVar variation 2184876 (VCV002184876.2), dbSNP rs555007253, ClinGen allele CA791202.